The following is an entry in ClinVar:

ClinVar aggregate classification (germline): Uncertain significance. Review status: criteria provided, multiple submitters, no conflicts (2 of 4 stars). 2 submissions from 2 submitters: Uncertain significance (2). Last evaluated 2026-05-22.

Conditions:
TTN-related disorder. Also called: TTN-related condition; TTN-related disease; TTN-related disorders.

Allele frequency attached by ClinVar (database versions not stated): gnomAD 0.00001; gnomAD exomes 0.00001; ExAC 0.00002; TOPMed 0.00003.
gnomAD v4.1: 11 of 1,612,764 alleles (0.00068%); highest among the groups gnomAD compares: Non-Finnish European, 0.00093%; no homozygotes.

Submissions (2):

PreventionGenetics, part of Exact Sciences
Classification: Uncertain significance for TTN-related condition. Last evaluated: 2026-05-22. Review status: criteria provided, single submitter. Criteria: ACMG Guidelines, 2015. Collection method: clinical testing. Allele origin: germline.
Comment: The TTN c.52802T>C variant is predicted to result in the amino acid substitution p.Ile17601Thr. To our knowledge, this variant has not been reported in the literature. This variant is reported in 0.0027% of alleles in individuals of European (Non-Finnish) descent in gnomAD. At this time, the clinical significance of this variant is uncertain due to the absence of conclusive functional and genetic evidence.

Revvity Omics, Revvity
Classification: Uncertain significance. Last evaluated: 2025-04-23. Review status: criteria provided, single submitter. Criteria: ACMG Guidelines, 2015. Collection method: clinical testing. Allele origin: germline.

NM_001267550.2(TTN):c.52802T>C (p.Ile17601Thr)

Genes: TTN (titin; minus strand), TTN-AS1 (TTN antisense RNA 1; plus strand), LOC126806425 (BRD4-independent group 4 enhancer GRCh37_chr2:179471933-179473132; plus strand). Cytogenetic location: 2q31.2.
Variant type: single nucleotide variant.
Coding change: c.52802T>C on transcript NM_001267550.2 (MANE Select); coding-DNA position 52802, T replaced by C.
Protein change: p.Ile17601Thr; replaces isoleucine 17601 with threonine.
Molecular consequence: missense variant.
Genome position (GRCh38, 1-based): chr2:178,607,985, A>G on the plus strand (T>C on the coding strand, the complement: TTN is on the minus strand). VCF-style: chr2-178607985-A-G. GRCh37 (hg19) VCF-style: chr2-179472712-A-G.
Other names: c.47879T>C, p.Ile15960Thr (NM_001256850.1); c.25607T>C, p.Ile8536Thr (NM_003319.4); c.45098T>C, p.Ile15033Thr (NM_133378.4); c.25982T>C, p.Ile8661Thr (NM_133432.3); c.26183T>C, p.Ile8728Thr (NM_133437.4); short protein forms I15033T, I15960T, I17601T, I8536T, I8661T, I8728T.
Identifiers: ClinVar variation 2437928 (VCV002437928.4), dbSNP rs774032287, ClinGen allele CA1993923.
Genomic context (GRCh38, chr2:178,607,985, plus strand): 5'-TCTGTGCAGCGTGACCATTCATTTGTGCCAACCAACTGCTTATCAACAAAATAGCCAACA[A>G]TTTCCCCACCACCATTGAAAGCTGGGGGTTCCCATTCTAGTTCAATAGTTGTAGAGCTTG-3'
Protein context (NP_001254479.2, residues 17591-17611): EPPAFNGGGE[Ile17601Thr]VGYFVDKQLV